The following is an entry in ClinVar:

ClinVar aggregate classification (germline): Likely benign. Review status: criteria provided, single submitter (1 of 4 stars). 2 submissions from 2 submitters: Likely benign (1). 1 of the submissions does not count toward it. Last evaluated 2024-09-16.

Conditions:
INSL3-related disorder. Also called: INSL3-related condition.

Allele frequency attached by ClinVar (database versions not stated): ESP Exome Variant Server 0.00064; 1000 Genomes Project 30x 0.00141; 1000 Genomes Project 0.00160; ExAC 0.00171.
gnomAD v4.1: 451 of 1,549,024 alleles (0.029%); highest among the groups gnomAD compares: Middle Eastern, 0.55%; 1 homozygote.

Submissions (2):

Blueprint Genetics
Classification: Likely benign. Last evaluated: 2024-09-16. Review status: criteria provided, single submitter. Criteria: ACMG Guidelines, 2015. Collection method: clinical testing. Allele origin: germline.

PreventionGenetics, part of Exact Sciences
Classification: Likely benign for INSL3-related condition. Last evaluated: 2019-03-20. Review status: no assertion criteria provided. Collection method: clinical testing. Allele origin: germline. Not counted in ClinVar's aggregate classification.
Comment: This variant is classified as likely benign based on ACMG/AMP sequence variant interpretation guidelines (Richards et al. 2015 PMID: 25741868, with internal and published modifications).

NM_005543.4(INSL3):c.159C>G (p.Thr53=)

Gene: INSL3 (insulin like 3; minus strand). Cytogenetic location: 19p13.11.
Variant type: single nucleotide variant.
Coding change: c.159C>G on transcript NM_005543.4 (MANE Select); coding-DNA position 159, C replaced by G.
Protein change: p.Thr53=; no amino-acid change (threonine 53 retained).
Molecular consequence: synonymous variant.
Genome position (GRCh38, 1-based): chr19:17,821,348, G>C on the plus strand (C>G on the coding strand, the complement: INSL3 is on the minus strand). VCF-style: chr19-17821348-G-C. GRCh37 (hg19) VCF-style: chr19-17932157-G-C.
Other names: c.159C>G, p.Thr53= (NM_001265587.2).
Identifiers: ClinVar variation 3049387 (VCV003049387.3), dbSNP rs113403604, ClinGen allele CA9301300.